The following is an entry in ClinVar:

ClinVar aggregate classification (germline): Uncertain significance (1 of 4 stars; one submission).

Conditions:
Cohen syndrome (COH1). Also called: PEPPER SYNDROME; Cutis verticis gyrata, retinitis pigmentosa, and sensorineural deafness. Identifiers: Orphanet 193, MedGen C0265223, MONDO:0008999, OMIM 216550.

Allele frequency attached by ClinVar (database versions not stated): gnomAD 0.00001; gnomAD exomes 0.00001; TOPMed 0.00003.
gnomAD v4.1: 7 of 1,613,626 alleles (0.00043%); highest among the groups gnomAD compares: Non-Finnish European, 0.00051%; no homozygotes.

Submission:

Labcorp Genetics (formerly Invitae), Labcorp
Classification: Uncertain significance for Cohen syndrome. Last evaluated: 2023-04-05. Review status: criteria provided, single submitter. Criteria: Invitae Variant Classification Sherloc (09022015). Collection method: clinical testing. Allele origin: germline.
Comment: This sequence change replaces methionine, which is neutral and non-polar, with valine, which is neutral and non-polar, at codon 654 of the VPS13B protein (p.Met654Val). This variant is present in population databases (no rsID available, gnomAD 0.0009%). This variant has not been reported in the literature in individuals affected with VPS13B-related conditions. ClinVar contains an entry for this variant (Variation ID: 840213). Advanced modeling of protein sequence and biophysical properties (such as structural, functional, and spatial information, amino acid conservation, physicochemical variation, residue mobility, and thermodynamic stability) performed at Invitae indicates that this missense variant is not expected to disrupt VPS13B protein function. In summary, the available evidence is currently insufficient to determine the role of this variant in disease. Therefore, it has been classified as a Variant of Uncertain Significance.

NM_152564.5(VPS13B):c.1960A>G (p.Met654Val)

Gene: VPS13B (vacuolar protein sorting 13 homolog B; plus strand). Cytogenetic location: 8q22.2.
Variant type: single nucleotide variant.
Coding change: c.1960A>G on transcript NM_152564.5 (MANE Select); coding-DNA position 1960, A replaced by G.
Protein change: p.Met654Val; replaces methionine 654 with valine.
Molecular consequence: missense variant.
Genome position (GRCh38, 1-based): chr8:99,147,957, A>G. VCF-style: chr8-99147957-A-G. GRCh37 (hg19) VCF-style: chr8-100160185-A-G.
Other names: c.1960A>G, p.Met654Val (NM_015243.3, NM_017890.5); short protein forms M654V.
Identifiers: ClinVar variation 840213 (VCV000840213.9), dbSNP rs1408089043, ClinGen allele CA371864469.